The following is an entry in ClinVar:

NM_018979.4(WNK1):c.5720C>T (p.Pro1907Leu)

Gene: WNK1 (WNK lysine deficient protein kinase 1; plus strand). Cytogenetic location: 12p13.33.
Variant type: single nucleotide variant.
Coding change: c.5720C>T on transcript NM_018979.4 (MANE Select); coding-DNA position 5720, C replaced by T.
Protein change: p.Pro1907Leu; replaces proline 1907 with leucine.
Molecular consequence: missense variant.
Genome position (GRCh38, 1-based): chr12:896,207, C>T. VCF-style: chr12-896207-C-T. GRCh37 (hg19) VCF-style: chr12-1005373-C-T.
Other names: p.Pro1907Leu; c.6500C>T, p.Pro2167Leu (NM_001184985.2); c.4976C>T, p.Pro1659Leu (NM_014823.3); c.6476C>T, p.Pro2159Leu (NM_213655.5); short protein forms P1907L, P2159L, P1659L, P2167L.
Identifiers: ClinVar variation 538504 (VCV000538504.21), dbSNP rs200979623, ClinGen allele CA6383270.
Genomic context (GRCh38, chr12:896,207, plus strand): 5'-CCAGCACCTCAGAGTCCTCAGTGCTATCAAGTAGTAGTCCAGAGAGTACCTTGGTGAAAC[C>T]AGAGCCGAATGGCATAACCATCCCTGGTATCTCTTCAGATGTGCCAGAGAGTGCCCACAA-3'
Protein context (NP_061852.3, residues 1897-1917): SSSPESTLVK[Pro1907Leu]EPNGITIPGI

ClinVar aggregate classification (germline): Conflicting classifications of pathogenicity. Review status: criteria provided, conflicting classifications (1 of 4 stars). 7 submissions from 7 submitters: Uncertain significance (6); Likely benign (1). Last evaluated 2026-08-03.

Conditions:
Neuropathy, hereditary sensory and autonomic, type 2A (HSAN2A). Also called: ACROOSTEOLYSIS, GIACCAI TYPE; ACROOSTEOLYSIS, NEUROGENIC; WNK1-Related HSAN2 (HSAN2A); HSAN IIA; MORVAN DISEASE; NEUROPATHY, CONGENITAL SENSORY. Identifiers: Orphanet 970, MedGen C2752089, MONDO:0024309, OMIM 201300.
Pseudohypoaldosteronism type 2C (PHA2C). Also called: Pseudohypoaldosteronism Type IIC. Identifiers: Orphanet 757, Orphanet 88940, MedGen C1840391, MONDO:0013778, OMIM 614492.
WNK1-related disorder. Also called: WNK1-related condition.
Inborn genetic diseases. Identifiers: MedGen C0950123, MeSH D030342.

Allele frequency attached by ClinVar (database versions not stated): ExAC 0.00012; gnomAD exomes 0.00012 and 0.00015; ESP Exome Variant Server 0.00015; TOPMed 0.00019; gnomAD 0.00026.
gnomAD v4.1: 269 of 1,614,162 alleles (0.017%); highest among the groups gnomAD compares: Admixed American, 0.037%; no homozygotes.

Submissions (7):

PreventionGenetics, part of Exact Sciences
Classification: Uncertain significance for WNK1-related condition. Last evaluated: 2026-08-03. Review status: criteria provided, single submitter. Criteria: ACMG Guidelines, 2015. Collection method: clinical testing. Allele origin: germline.
Comment: The WNK1 c.5720C>T variant is predicted to result in the amino acid substitution p.Pro1907Leu. To our knowledge, this variant has not been reported in the literature. This variant is reported in 0.021% of alleles in individuals of European (non-Finnish) descent in gnomAD, which may be too frequent to be a primary cause of autosomal dominant disease. . At this time, the clinical significance of this variant is uncertain due to the absence of conclusive functional and genetic evidence.

Women's Health and Genetics/Laboratory Corporation of America, LabCorp
Classification: Uncertain significance. Last evaluated: 2026-06-18. Review status: criteria provided, single submitter. Criteria: LabCorp Variant Classification Summary - May 2015. Collection method: clinical testing. Allele origin: germline.
Comment: Variant summary: WNK1 c.5720C>T (p.Pro1907Leu) results in a non-conservative amino acid change in the encoded protein sequence. Algorithms developed to predict the effect of missense changes on protein structure and function are either unavailable or do not agree on the potential impact of this missense change. The variant allele was found at a frequency of 0.00012 in 251402 control chromosomes. This frequency is not significantly higher than estimated for disease-causing variants in WNK1, allowing no conclusion about variant significance. To our knowledge, no occurrence of c.5720C>T in individuals affected with WNK1-related conditions and no experimental evidence demonstrating its impact on protein function have been reported. ClinVar contains an entry for this variant (Variation ID: 538504). Based on the evidence outlined above, the variant was classified as uncertain significance.

Labcorp Genetics (formerly Invitae), Labcorp
Classification: Likely benign for Neuropathy, hereditary sensory and autonomic, type 2A; Pseudohypoaldosteronism type 2C. Last evaluated: 2025-11-06. Review status: criteria provided, single submitter. Criteria: Invitae Variant Classification Sherloc (09022015). Collection method: clinical testing. Allele origin: germline.

Blueprint Genetics
Classification: Uncertain significance. Last evaluated: 2024-10-11. Review status: criteria provided, single submitter. Criteria: ACMG Guidelines, 2015. Collection method: clinical testing. Allele origin: germline.

Fulgent Genetics
Classification: Uncertain significance for Neuropathy, hereditary sensory and autonomic, type 2A; Pseudohypoaldosteronism type 2C. Last evaluated: 2024-04-11. Review status: criteria provided, single submitter. Criteria: ACMG Guidelines, 2015. Collection method: clinical testing. Allele origin: germline.

Ambry Genetics
Classification: Uncertain significance for Inborn genetic diseases. Last evaluated: 2023-09-15. Review status: criteria provided, single submitter. Criteria: Ambry Variant Classification Scheme 2023. Collection method: clinical testing. Allele origin: germline.

Mayo Clinic Laboratories, Mayo Clinic
Classification: Uncertain significance. Last evaluated: 2021-10-14. Review status: criteria provided, single submitter. Criteria: ACMG Guidelines, 2015. Collection method: clinical testing. Allele origin: germline.